The following is an entry in ClinVar:

ClinVar aggregate classification (germline): Likely pathogenic (1 of 4 stars; one submission).

gnomAD v4.1: 1 of 1,614,160 alleles (0.000062%); no homozygotes.

Submission:

GeneDx
Classification: Likely pathogenic. Last evaluated: 2026-02-06. Review status: criteria provided, single submitter. Criteria: GeneDx Variant Classification Process June 2021. Collection method: clinical testing. Allele origin: germline.
Comment: Occurs in the triple helical domain and replaces a glycine in a canonical Gly-X-Y repeat; missense substitution of a canonical glycine residue is expected to disrupt normal protein folding and function, and this is an established mechanism of disease (PMID: 34007986); Not observed at significant frequency in large population cohorts (gnomAD); In silico analysis supports that this missense variant has a deleterious effect on protein structure/function; Has not been previously published as pathogenic or benign to our knowledge; This variant is associated with the following publications: (PMID: 34007986)

NM_000089.4(COL1A2):c.713G>A (p.Gly238Glu)

Gene: COL1A2 (collagen type I alpha 2 chain; plus strand). Cytogenetic location: 7q21.3.
Variant type: single nucleotide variant.
Coding change: c.713G>A on transcript NM_000089.4 (MANE Select); coding-DNA position 713, G replaced by A.
Protein change: p.Gly238Glu; replaces glycine 238 with glutamic acid.
Molecular consequence: missense variant.
Genome position (GRCh38, 1-based): chr7:94,408,355, G>A. VCF-style: chr7-94408355-G-A. GRCh37 (hg19) VCF-style: chr7-94037667-G-A.
Other names: short protein forms G238E.
Identifiers: ClinVar variation 4887876 (VCV004887876.1).
Genomic context (GRCh38, chr7:94,408,355, plus strand): 5'-ATTTAAGTTTCCACCTGATCTTCCCTTTATTTTCTTCTTAGGGTGCCCGTGGCAGTGATG[G>A]AAGTGTGGGTCCCGTGGGTCCTGCTGTAAGTTTTGACACTGGGGAGTTTGAAAGGAGTTG-3'
Protein context (NP_000080.2, residues 228-248): PGPAGARGSD[Gly238Glu]SVGPVGPAGP